The following is an entry in ClinVar:

NM_001005242.3(PKP2):c.2021C>T (p.Thr674Ile)

Gene: PKP2 (plakophilin 2; minus strand). Cytogenetic location: 12p11.21.
Variant type: single nucleotide variant.
Coding change: c.2021C>T on transcript NM_001005242.3 (MANE Select); coding-DNA position 2021, C replaced by T.
Protein change: p.Thr674Ile; replaces threonine 674 with isoleucine.
Molecular consequence: missense variant.
Genome position (GRCh38, 1-based): chr12:32,802,549, G>A on the plus strand (C>T on the coding strand, the complement: PKP2 is on the minus strand). VCF-style: chr12-32802549-G-A. GRCh37 (hg19) VCF-style: chr12-32955483-G-A.
Other names: c.2021C>T, p.Thr674Ile (NM_001407155.1); c.1856C>T, p.Thr619Ile (NM_001407156.1); c.1694C>T, p.Thr565Ile (NM_001407158.1, NM_001407159.1, NM_001407160.1); c.2153C>T, p.Thr718Ile (NM_004572.4); short protein forms T565I, T619I, T674I, T718I.
Identifiers: ClinVar variation 3224321 (VCV003224321.1), dbSNP rs1470551982, ClinGen allele CA384360071.
Genomic context (GRCh38, chr12:32,802,549, plus strand): 5'-AGCATCTTTCGGGTGTGCTGCAGGCCACTTTCCTTCTGGACAACTGTCTGAGCCACTGAT[G>A]TCGGCATCTGTTTTGTGAGACATATCCTATAAGTGCTATTGTATTTGATTTCACGATAAC-3'
Protein context (NP_001005242.2, residues 664-684): NLTAGSGPMP[Thr674Ile]SVAQTVVQKE

ClinVar aggregate classification (germline): Uncertain significance (1 of 4 stars; one submission).

Conditions:
Cardiovascular phenotype. Identifiers: MedGen CN230736.

Allele frequency attached by ClinVar (database versions not stated): gnomAD 0.00001.
gnomAD v4.1: 1 of 1,613,852 alleles (0.000062%); highest among the groups gnomAD compares: Non-Finnish European, 0.000085%; no homozygotes.

Submission:

Ambry Genetics
Classification: Uncertain significance for Cardiovascular phenotype. Last evaluated: 2023-11-01. Review status: criteria provided, single submitter. Criteria: Ambry Variant Classification Scheme 2023. Collection method: clinical testing. Allele origin: germline.
Comment: The p.T718I variant (also known as c.2153C>T), located in coding exon 11 of the PKP2 gene, results from a C to T substitution at nucleotide position 2153. The threonine at codon 718 is replaced by isoleucine, an amino acid with similar properties. This amino acid position is conserved. In addition, this alteration is predicted to be tolerated by in silico analysis. Since supporting evidence is limited at this time, the clinical significance of this alteration remains unclear.